The following is an entry in ClinVar:

ClinVar aggregate classification (germline): Likely benign (1 of 4 stars; one submission).

Conditions:
Hypertrophic cardiomyopathy. Also called: HYPERTROPHIC MYOCARDIOPATHY. Identifiers: Orphanet 217569, MedGen C0007194, MeSH D002312, MONDO:0005045, HP:0001639.

Submission:

All of Us Research Program, National Institutes of Health
Classification: Likely benign for Hypertrophic cardiomyopathy. Last evaluated: 2023-03-23. Review status: criteria provided, single submitter. Criteria: ACMG Guidelines, 2015. Collection method: clinical testing. Allele origin: germline. Inheritance: Autosomal dominant inheritance. Observed: 1 variant allele, 1 heterozygote.
Comment: This study involves interpretation of variants in research participants for the purpose of population health screening. Participant phenotype was not available at the time of variant classification. Additional details can be found in publication PMID: 35346344, PMCID: PMC8962531

NM_000363.5(TNNI3):c.18C>T (p.Ser6=)

Gene: TNNI3 (troponin I3, cardiac type; minus strand). Cytogenetic location: 19q13.42.
Variant type: single nucleotide variant.
Coding change: c.18C>T on transcript NM_000363.5 (MANE Select); coding-DNA position 18, C replaced by T.
Protein change: p.Ser6=; no amino-acid change (serine 6 retained).
Molecular consequence: synonymous variant.
Genome position (GRCh38, 1-based): chr19:55,157,302, G>A on the plus strand (C>T on the coding strand, the complement: TNNI3 is on the minus strand). VCF-style: chr19-55157302-G-A. GRCh37 (hg19) VCF-style: chr19-55668670-G-A.
Identifiers: ClinVar variation 3069905 (VCV003069905.1), dbSNP rs2515504341, ClinGen allele CA508989678.